The following is an entry in ClinVar:

ClinVar aggregate classification (germline): Likely benign. Review status: criteria provided, multiple submitters, no conflicts (2 of 4 stars). 3 submissions from 3 submitters: Likely benign (3). Last evaluated 2026-01-13.

Conditions:
Developmental and epileptic encephalopathy, 27 (DEE27). Also called: GRIN2B-Related Neurodevelopmental Disorder; Epileptic encephalopathy, early infantile, 27. Identifiers: Orphanet 3451, MedGen C4015316, MONDO:0014505, OMIM 616139.
Intellectual developmental disorder, autosomal dominant 6, with or without seizures. Also called: GRIN2B-related developmental delay, intellectual disability and autism spectrum disorder; Intellectual disability, autosomal dominant 6. Identifiers: Orphanet 589547, MedGen C3151411, MONDO:0013509, OMIM 613970.

Allele frequency attached by ClinVar (database versions not stated): TOPMed 0.00002; gnomAD 0.00002 and 0.00001.
gnomAD v4.1: 67 of 1,613,326 alleles (0.0042%); highest among the groups gnomAD compares: Non-Finnish European, 0.0056%; no homozygotes.

Submissions (3):

Labcorp Genetics (formerly Invitae), Labcorp
Classification: Likely benign for Developmental and epileptic encephalopathy, 27; Intellectual developmental disorder, autosomal dominant 6, with or without seizures. Last evaluated: 2026-01-13. Review status: criteria provided, single submitter. Criteria: Invitae Variant Classification Sherloc (09022015). Collection method: clinical testing. Allele origin: germline.

CeGaT Center for Human Genetics Tuebingen
Classification: Likely benign. Last evaluated: 2024-02-01. Review status: criteria provided, single submitter. Criteria: CeGaT Center For Human Genetics Tuebingen Variant Classification Criteria Version 2. Collection method: clinical testing. Allele origin: germline. Affected: yes. Observed: 2 variant alleles.
Comment: GRIN2B: BP4, BS1

GeneDx
Classification: Likely benign. Last evaluated: 2017-11-02. Review status: criteria provided, single submitter. Criteria: GeneDx Variant Classification (06012015). Collection method: clinical testing. Allele origin: germline. Affected: yes.
Comment: This variant is considered likely benign or benign based on one or more of the following criteria: it is a conservative change, it occurs at a poorly conserved position in the protein, it is predicted to be benign by multiple in silico algorithms, and/or has population frequency not consistent with disease.

NM_000834.5(GRIN2B):c.519C>G (p.Thr173=)

Gene: GRIN2B (glutamate ionotropic receptor NMDA type subunit 2B; minus strand). Cytogenetic location: 12p13.1.
Variant type: single nucleotide variant.
Coding change: c.519C>G on transcript NM_000834.5 (MANE Select); coding-DNA position 519, C replaced by G.
Protein change: p.Thr173=; no amino-acid change (threonine 173 retained).
Molecular consequence: synonymous variant.
Genome position (GRCh38, 1-based): chr12:13,753,808, G>C on the plus strand (C>G on the coding strand, the complement: GRIN2B is on the minus strand). VCF-style: chr12-13753808-G-C. GRCh37 (hg19) VCF-style: chr12-13906742-G-C.
Identifiers: ClinVar variation 516484 (VCV000516484.49), dbSNP rs200357530, ClinGen allele CA6461388.